The following is an entry in ClinVar:

NM_025144.4(ALPK1):c.1147A>G (p.Lys383Glu)

Gene: ALPK1 (alpha kinase 1; plus strand). Cytogenetic location: 4q25.
Variant type: single nucleotide variant.
Coding change: c.1147A>G on transcript NM_025144.4 (MANE Select); coding-DNA position 1147, A replaced by G.
Protein change: p.Lys383Glu; replaces lysine 383 with glutamic acid.
Molecular consequence: missense variant.
Genome position (GRCh38, 1-based): chr4:112,430,694, A>G. VCF-style: chr4-112430694-A-G. GRCh37 (hg19) VCF-style: chr4-113351850-A-G.
Other names: c.1147A>G, p.Lys383Glu (NM_001102406.2); c.913A>G, p.Lys305Glu (NM_001253884.2); short protein forms K305E, K383E.
Identifiers: ClinVar variation 2057931 (VCV002057931.29), dbSNP rs147641444, ClinGen allele CA3046676.

ClinVar aggregate classification (germline): Benign/Likely benign. Review status: criteria provided, multiple submitters, no conflicts (2 of 4 stars). 3 submissions from 3 submitters: Benign (2); Likely benign (1). Last evaluated 2026-04-06.

Allele frequency attached by ClinVar (database versions not stated): ESP Exome Variant Server 0.00100; TOPMed 0.00120; gnomAD 0.00122; 1000 Genomes Project 30x 0.00156; 1000 Genomes Project 0.00200; ExAC 0.00245.
gnomAD v4.1: 3,434 of 1,614,214 alleles (0.21%); highest among the groups gnomAD compares: South Asian, 0.83%; 14 homozygotes.

Submissions (3):

Women's Health and Genetics/Laboratory Corporation of America, LabCorp
Classification: Likely benign. Last evaluated: 2026-04-06. Review status: criteria provided, single submitter. Criteria: LabCorp Variant Classification Summary - May 2015. Collection method: clinical testing. Allele origin: germline.

Labcorp Genetics (formerly Invitae), Labcorp
Classification: Benign. Last evaluated: 2026-01-26. Review status: criteria provided, single submitter. Criteria: Invitae Variant Classification Sherloc (09022015). Collection method: clinical testing. Allele origin: germline.

CeGaT Center for Human Genetics Tuebingen
Classification: Benign. Last evaluated: 2024-07-01. Review status: criteria provided, single submitter. Criteria: CeGaT Center For Human Genetics Tuebingen Variant Classification Criteria Version 2. Collection method: clinical testing. Allele origin: germline. Affected: yes. Observed: 3 variant alleles.
Comment: ALPK1: BP4, BS1, BS2